The following is an entry in ClinVar:

ClinVar aggregate classification (germline): Likely benign (0 of 4 stars; one submission).

Conditions:
SEMA3F-related disorder. Also called: SEMA3F-related condition.

Allele frequency attached by ClinVar (database versions not stated): gnomAD 0.00002; TOPMed 0.00002; 1000 Genomes Project 30x 0.00016; 1000 Genomes Project 0.00020.
gnomAD v4.1: 25 of 1,614,046 alleles (0.0015%); highest among the groups gnomAD compares: Middle Eastern, 0.016%; no homozygotes.

Submission:

PreventionGenetics, part of Exact Sciences
Classification: Likely benign for SEMA3F-related condition. Last evaluated: 2021-10-04. Review status: no assertion criteria provided. Collection method: clinical testing. Allele origin: germline.
Comment: This variant is classified as likely benign based on ACMG/AMP sequence variant interpretation guidelines (Richards et al. 2015 PMID: 25741868, with internal and published modifications).

NM_004186.5(SEMA3F):c.1650G>A (p.Ala550=)

Gene: SEMA3F (semaphorin 3F; plus strand). Cytogenetic location: 3p21.31.
Variant type: single nucleotide variant.
Coding change: c.1650G>A on transcript NM_004186.5 (MANE Select); coding-DNA position 1650, G replaced by A.
Protein change: p.Ala550=; no amino-acid change (alanine 550 retained).
Molecular consequence: synonymous variant.
Genome position (GRCh38, 1-based): chr3:50,185,951, G>A. VCF-style: chr3-50185951-G-A. GRCh37 (hg19) VCF-style: chr3-50223384-G-A.
Other names: c.1353G>A, p.Ala451= (NM_001318798.2); c.1557G>A, p.Ala519= (NM_001318800.2).
Identifiers: ClinVar variation 3030307 (VCV003030307.2), dbSNP rs551534833, ClinGen allele CA2412191.